The following is an entry in ClinVar:

ClinVar aggregate classification (germline): Uncertain significance (1 of 4 stars; one submission).

Submission:

Ambry Genetics
Classification: Uncertain significance. Last evaluated: 2024-06-04. Review status: criteria provided, single submitter. Criteria: Ambry Variant Classification Scheme 2023. Collection method: clinical testing. Allele origin: germline.
Comment: The p.S200C variant (also known as c.599C>G), located in coding exon 7 of the FAM175A gene, results from a C to G substitution at nucleotide position 599. The serine at codon 200 is replaced by cysteine, an amino acid with dissimilar properties. This amino acid position is conserved. In addition, this alteration is predicted to be tolerated by in silico analysis. Based on the available evidence, the clinical significance of this variant remains unclear.

NM_139076.3(ABRAXAS1):c.599C>G (p.Ser200Cys)

Gene: ABRAXAS1 (abraxas 1, BRCA1 A complex subunit; minus strand). Cytogenetic location: 4q21.23.
Variant type: single nucleotide variant.
Coding change: c.599C>G on transcript NM_139076.3 (MANE Select); coding-DNA position 599, C replaced by G.
Protein change: p.Ser200Cys; replaces serine 200 with cysteine.
Molecular consequence: missense variant.
Genome position (GRCh38, 1-based): chr4:83,467,536, G>C on the plus strand (C>G on the coding strand, the complement: ABRAXAS1 is on the minus strand). VCF-style: chr4-83467536-G-C. GRCh37 (hg19) VCF-style: chr4-84388689-G-C.
Other names: c.272C>G, p.Ser91Cys (NM_001345962.2); short protein forms S200C, S91C.
Identifiers: ClinVar variation 3332536 (VCV003332536.1).